The following is an entry in ClinVar:

ClinVar aggregate classification (germline): Uncertain significance. Review status: criteria provided, multiple submitters, no conflicts (2 of 4 stars). 2 submissions from 2 submitters: Uncertain significance (2). Last evaluated 2024-08-20.

Allele frequency attached by ClinVar (database versions not stated): gnomAD exomes 0.00001; ExAC 0.00002; TOPMed 0.00002; gnomAD 0.00003.
gnomAD v4.1: 21 of 1,613,864 alleles (0.0013%); highest among the groups gnomAD compares: African/African-American, 0.0067%; no homozygotes.

Submissions (2):

Labcorp Genetics (formerly Invitae), Labcorp
Classification: Uncertain significance. Last evaluated: 2024-08-20. Review status: criteria provided, single submitter. Criteria: Invitae Variant Classification Sherloc (09022015). Collection method: clinical testing. Allele origin: germline.
Comment: This sequence change replaces arginine, which is basic and polar, with histidine, which is basic and polar, at codon 76 of the EMC1 protein (p.Arg76His). This variant is present in population databases (rs748974716, gnomAD 0.01%). This variant has not been reported in the literature in individuals affected with EMC1-related conditions. ClinVar contains an entry for this variant (Variation ID: 1920535). Invitae Evidence Modeling of protein sequence and biophysical properties (such as structural, functional, and spatial information, amino acid conservation, physicochemical variation, residue mobility, and thermodynamic stability) indicates that this missense variant is expected to disrupt EMC1 protein function with a positive predictive value of 80%. In summary, the available evidence is currently insufficient to determine the role of this variant in disease. Therefore, it has been classified as a Variant of Uncertain Significance.

Blueprint Genetics
Classification: Uncertain significance. Last evaluated: 2023-04-13. Review status: criteria provided, single submitter. Criteria: ACMG Guidelines, 2015. Collection method: clinical testing. Allele origin: germline.

NM_015047.3(EMC1):c.227G>A (p.Arg76His)

Gene: EMC1 (ER membrane protein complex subunit 1; minus strand). Cytogenetic location: 1p36.13.
Variant type: single nucleotide variant.
Coding change: c.227G>A on transcript NM_015047.3 (MANE Select); coding-DNA position 227, G replaced by A.
Protein change: p.Arg76His; replaces arginine 76 with histidine.
Molecular consequence: missense variant. On other transcripts: intron variant (1).
Genome position (GRCh38, 1-based): chr1:19,244,009, C>T on the plus strand (G>A on the coding strand, the complement: EMC1 is on the minus strand). VCF-style: chr1-19244009-C-T. GRCh37 (hg19) VCF-style: chr1-19570503-C-T.
Other names: c.227G>A, p.Arg76His (NM_001271427.2, NM_001271428.2, NM_001375820.1 and 1 more transcripts); c.221-302G>A (NM_001271429.2); short protein forms R76H.
Identifiers: ClinVar variation 1920535 (VCV001920535.6), dbSNP rs748974716, ClinGen allele CA652999.